The following is an entry in ClinVar:

NM_002109.6(HARS1):c.616G>A (p.Asp206Asn)

Gene: HARS1 (histidyl-tRNA synthetase 1; minus strand). Cytogenetic location: 5q31.3.
Variant type: single nucleotide variant.
Coding change: c.616G>A on transcript NM_002109.6 (MANE Select); coding-DNA position 616, G replaced by A.
Protein change: p.Asp206Asn; replaces aspartic acid 206 with asparagine.
Molecular consequence: missense variant.
Genome position (GRCh38, 1-based): chr5:140,677,922, C>T on the plus strand (G>A on the coding strand, the complement: HARS1 is on the minus strand). VCF-style: chr5-140677922-C-T. GRCh37 (hg19) VCF-style: chr5-140057507-C-T.
Other names: c.616G>A (NM_002109.3); c.496G>A, p.Asp166Asn (NM_001258040.3); c.556G>A, p.Asp186Asn (NM_001258041.3); c.436G>A, p.Asp146Asn (NM_001258042.3); c.394G>A, p.Asp132Asn (NM_001289092.2); c.274G>A, p.Asp92Asn (NM_001289093.2); c.529G>A, p.Asp177Asn (NM_001289094.2); short protein forms D146N, D166N, D177N, D132N, D186N, D206N, D92N.
Identifiers: ClinVar variation 2188539 (VCV002188539.5), dbSNP rs1131040, ClinGen allele CA3444057.

ClinVar aggregate classification (germline): Uncertain significance. Review status: criteria provided, multiple submitters, no conflicts (2 of 4 stars). 2 submissions from 2 submitters: Uncertain significance (2). Last evaluated 2024-09-05.

Conditions:
Usher syndrome type 3B. Also called: USHER SYNDROME, TYPE IIIB. Identifiers: MedGen C3281066, MONDO:0013788, OMIM 614504.

Allele frequency attached by ClinVar (database versions not stated): gnomAD exomes below 0.00001; ExAC 0.00001; TOPMed 0.00001.

Submissions (2):

Labcorp Genetics (formerly Invitae), Labcorp
Classification: Uncertain significance for Usher syndrome type 3B. Last evaluated: 2024-09-05. Review status: criteria provided, single submitter. Criteria: Invitae Variant Classification Sherloc (09022015). Collection method: clinical testing. Allele origin: germline.
Comment: This sequence change replaces aspartic acid, which is acidic and polar, with asparagine, which is neutral and polar, at codon 206 of the HARS protein (p.Asp206Asn). This variant is present in population databases (rs1131040, gnomAD 0.006%). This variant has not been reported in the literature in individuals affected with HARS-related conditions. ClinVar contains an entry for this variant (Variation ID: 2188539). Invitae Evidence Modeling of protein sequence and biophysical properties (such as structural, functional, and spatial information, amino acid conservation, physicochemical variation, residue mobility, and thermodynamic stability) indicates that this missense variant is not expected to disrupt HARS protein function with a negative predictive value of 80%. In summary, the available evidence is currently insufficient to determine the role of this variant in disease. Therefore, it has been classified as a Variant of Uncertain Significance.

Ambry Genetics
Classification: Uncertain significance. Last evaluated: 2020-04-07. Review status: criteria provided, single submitter. Criteria: Ambry Variant Classification Scheme 2023. Collection method: clinical testing. Allele origin: germline.